The following is an entry in ClinVar:

ClinVar aggregate classification (germline): Uncertain significance (1 of 4 stars; one submission).

Allele frequency attached by ClinVar (database versions not stated): TOPMed 0.00002; gnomAD exomes 0.00003; gnomAD 0.00001; ESP Exome Variant Server 0.00008.
gnomAD v4.1: 53 of 1,612,564 alleles (0.0033%); highest among the groups gnomAD compares: South Asian, 0.0044%; no homozygotes.

Submission:

Labcorp Genetics (formerly Invitae), Labcorp
Classification: Uncertain significance. Last evaluated: 2022-03-24. Review status: criteria provided, single submitter. Criteria: Invitae Variant Classification Sherloc (09022015). Collection method: clinical testing. Allele origin: germline.
Comment: This sequence change falls in intron 27 of the NBAS gene. It does not directly change the encoded amino acid sequence of the NBAS protein. It affects a nucleotide within the consensus splice site. This variant is present in population databases (rs372750980, gnomAD 0.005%). This variant has not been reported in the literature in individuals affected with NBAS-related conditions. Variants that disrupt the consensus splice site are a relatively common cause of aberrant splicing (PMID: 17576681, 9536098). Algorithms developed to predict the effect of sequence changes on RNA splicing suggest that this variant is not likely to affect RNA splicing. In summary, the available evidence is currently insufficient to determine the role of this variant in disease. Therefore, it has been classified as a Variant of Uncertain Significance.

Literature cited by the submitters: PubMed 17576681; PubMed 9536098.

NM_015909.4(NBAS):c.3135-3T>C

Gene: NBAS (NBAS subunit of NRZ tethering complex; minus strand). Cytogenetic location: 2p24.3.
Variant type: single nucleotide variant.
Coding change: c.3135-3T>C on transcript NM_015909.4 (MANE Select); 3 bases into the intron before coding-DNA position 3135, T replaced by C.
Molecular consequence: intron variant.
Genome position (GRCh38, 1-based): chr2:15,394,352, A>G on the plus strand (T>C on the coding strand, the complement: NBAS is on the minus strand). VCF-style: chr2-15394352-A-G. GRCh37 (hg19) VCF-style: chr2-15534476-A-G.
Identifiers: ClinVar variation 1412313 (VCV001412313.3), dbSNP rs372750980, ClinGen allele CA42616800.